The following is an entry in ClinVar:

NM_003482.4(KMT2D):c.13090C>T (p.Gln4364Ter)

Gene: KMT2D (lysine methyltransferase 2D; minus strand). Cytogenetic location: 12q13.12.
Variant type: single nucleotide variant.
Coding change: c.13090C>T on transcript NM_003482.4 (MANE Select); coding-DNA position 13090, C replaced by T.
Protein change: p.Gln4364Ter; replaces glutamine 4364 with a stop codon.
Molecular consequence: nonsense.
Genome position (GRCh38, 1-based): chr12:49,031,615, G>A on the plus strand (C>T on the coding strand, the complement: KMT2D is on the minus strand). VCF-style: chr12-49031615-G-A. GRCh37 (hg19) VCF-style: chr12-49425398-G-A.
Other names: short protein forms Q4364*.
Identifiers: ClinVar variation 1809766 (VCV001809766.2), dbSNP rs1399037623, ClinGen allele CA384707509.

ClinVar aggregate classification (germline): Pathogenic. Review status: criteria provided, single submitter (1 of 4 stars). 2 submissions from 2 submitters: Pathogenic (1). 1 of the submissions does not count toward it. Last evaluated 2019-08-20.

Conditions:
Kabuki syndrome 1 (KABUK1). Also called: KMT2D-Related Kabuki Syndrome. Identifiers: Orphanet 2322, MedGen CN030661, MONDO:0007843, OMIM 147920.

Submissions (2):

Athena Diagnostics
Classification: Pathogenic. Last evaluated: 2019-08-20. Review status: criteria provided, single submitter. Criteria: Athena Diagnostics Criteria. Collection method: clinical testing. Allele origin: unknown.
Comment: This variant is expected to result in the loss of a functional protein. This variant has not been reported in large, multi-ethnic general populations. This observation is not an independent occurrence and has been identified in the same individual by RCIGM, the other laboratory participating in the GEMINI study.

Bodamer Research Lab, Boston Children's Hospital
Classification: Pathogenic for Kabuki syndrome 1. Last evaluated: 2023-01-01. Review status: no assertion criteria provided. Collection method: provider interpretation. Allele origin: germline. Affected: yes. Not counted in ClinVar's aggregate classification.